The following is an entry in ClinVar:

NM_000334.4(SCN4A):c.1814A>G (p.His605Arg)

Gene: SCN4A (sodium voltage-gated channel alpha subunit 4; minus strand). Cytogenetic location: 17q23.3.
Variant type: single nucleotide variant.
Coding change: c.1814A>G on transcript NM_000334.4 (MANE Select); coding-DNA position 1814, A replaced by G.
Protein change: p.His605Arg; replaces histidine 605 with arginine.
Molecular consequence: missense variant.
Genome position (GRCh38, 1-based): chr17:63,961,224, T>C on the plus strand (A>G on the coding strand, the complement: SCN4A is on the minus strand). VCF-style: chr17-63961224-T-C. GRCh37 (hg19) VCF-style: chr17-62038584-T-C.
Other names: short protein forms H605R.
Identifiers: ClinVar variation 1371513 (VCV001371513.6), dbSNP rs2144798572, ClinGen allele CA400632851.

ClinVar aggregate classification (germline): Uncertain significance (1 of 4 stars; one submission).

Conditions:
Hyperkalemic periodic paralysis. Also called: Familial hyperkalemic periodic paralysis; Gamstorp disease. Identifiers: Orphanet 682, MedGen C0238357, MONDO:0008224, OMIM 170500, HP:0007215.

Submission:

Labcorp Genetics (formerly Invitae), Labcorp
Classification: Uncertain significance for Hyperkalemic periodic paralysis. Last evaluated: 2022-07-19. Review status: criteria provided, single submitter. Criteria: Invitae Variant Classification Sherloc (09022015). Collection method: clinical testing. Allele origin: germline.
Comment: In summary, the available evidence is currently insufficient to determine the role of this variant in disease. Therefore, it has been classified as a Variant of Uncertain Significance. Algorithms developed to predict the effect of missense changes on protein structure and function (SIFT, PolyPhen-2, Align-GVGD) all suggest that this variant is likely to be tolerated. ClinVar contains an entry for this variant (Variation ID: 1371513). This variant has not been reported in the literature in individuals affected with SCN4A-related conditions. This variant is not present in population databases (gnomAD no frequency). This sequence change replaces histidine, which is basic and polar, with arginine, which is basic and polar, at codon 605 of the SCN4A protein (p.His605Arg).